The following is an entry in ClinVar:

ClinVar aggregate classification (germline): Conflicting classifications of pathogenicity. Review status: criteria provided, conflicting classifications (1 of 4 stars). 2 submissions from 2 submitters: Uncertain significance (1); Likely benign (1). Last evaluated 2022-07-04.

Conditions:
Alstrom syndrome (ALMS). Identifiers: Orphanet 64, MedGen C0268425, MONDO:0008763, OMIM 203800.
Cardiovascular phenotype. Identifiers: MedGen CN230736.

Submissions (2):

Labcorp Genetics (formerly Invitae), Labcorp
Classification: Uncertain significance for Alstrom syndrome. Last evaluated: 2022-07-04. Review status: criteria provided, single submitter. Criteria: Invitae Variant Classification Sherloc (09022015). Collection method: clinical testing. Allele origin: germline.
Comment: This sequence change replaces glutamine, which is neutral and polar, with arginine, which is basic and polar, at codon 96 of the ALMS1 protein (p.Gln96Arg). In summary, the available evidence is currently insufficient to determine the role of this variant in disease. Therefore, it has been classified as a Variant of Uncertain Significance. Experimental studies and prediction algorithms are not available or were not evaluated, and the functional significance of this variant is currently unknown. This variant has not been reported in the literature in individuals affected with ALMS1-related conditions. This variant is not present in population databases (gnomAD no frequency).

Ambry Genetics
Classification: Likely benign for Cardiovascular phenotype. Last evaluated: 2021-02-24. Review status: criteria provided, single submitter. Criteria: Ambry Variant Classification Scheme 2023. Collection method: clinical testing. Allele origin: germline.

NM_001378454.1(ALMS1):c.284A>G (p.Gln95Arg)

Gene: ALMS1 (ALMS1 centrosome and basal body associated protein; plus strand). Cytogenetic location: 2p13.1.
Variant type: single nucleotide variant.
Coding change: c.284A>G on transcript NM_001378454.1 (MANE Select); coding-DNA position 284, A replaced by G.
Protein change: p.Gln95Arg; replaces glutamine 95 with arginine.
Molecular consequence: missense variant.
Genome position (GRCh38, 1-based): chr2:73,386,152, A>G. VCF-style: chr2-73386152-A-G. GRCh37 (hg19) VCF-style: chr2-73613280-A-G.
Other names: c.287A>G, p.Gln96Arg (NM_015120.4); short protein forms Q95R, Q96R.
Identifiers: ClinVar variation 1797145 (VCV001797145.7), dbSNP rs2465971767, ClinGen allele CA347250989.
Genomic context (GRCh38, chr2:73,386,152, plus strand): 5'-AGGCCAAGGCCTGGCTGCAGGCGCACCCCGGCAGGATTTTGCCTCCGCTGTCGCCCCCGC[A>G]GCACCGCTACTCGGAGGGCGAGCGGACCTCCCTGGAGAAGGTGAGGCGGGCCGGGGAGGG-3'
Protein context (NP_001365383.1, residues 85-105): GRILPPLSPP[Gln95Arg]HRYSEGERTS